The following is an entry in ClinVar:

ClinVar aggregate classification (germline): Uncertain significance (1 of 4 stars; one submission).

Conditions:
Familial hypobetalipoproteinemia 1. Also called: APOB-Related Familial Hypobetalipoproteinemia; Hypobetalipoproteinemia, normotriglyceridemic; Acanthocytosis with hypobetalipoproteinemia. Identifiers: MedGen C4551990, MONDO:0014252, OMIM 615558.
Hypercholesterolemia, autosomal dominant, type B (FHCL2). Also called: Familial Hypercholesterolemia Type B; APOLIPOPROTEIN B-100, FAMILIAL DEFECTIVE; APOLIPOPROTEIN B-100, FAMILIAL LIGAND-DEFECTIVE; HYPERCHOLESTEROLEMIA, FAMILIAL, DUE TO LIGAND-DEFECTIVE APOLIPOPROTEIN B; Hyperlipoproteinemia Type IIb; Familial hypercholesterolemia 2. Identifiers: MedGen C1704417, MONDO:0007751, OMIM 144010.

Allele frequency attached by ClinVar (database versions not stated): gnomAD 0.00001; TOPMed 0.00001.
gnomAD v4.1: 26 of 1,613,820 alleles (0.0016%); highest among the groups gnomAD compares: Non-Finnish European, 0.0021%; no homozygotes.

Submission:

Labcorp Genetics (formerly Invitae), Labcorp
Classification: Uncertain significance for Familial hypobetalipoproteinemia 1; Hypercholesterolemia, autosomal dominant, type B. Last evaluated: 2023-08-27. Review status: criteria provided, single submitter. Criteria: Invitae Variant Classification Sherloc (09022015). Collection method: clinical testing. Allele origin: germline.
Comment: In summary, the available evidence is currently insufficient to determine the role of this variant in disease. Therefore, it has been classified as a Variant of Uncertain Significance. Advanced modeling of protein sequence and biophysical properties (such as structural, functional, and spatial information, amino acid conservation, physicochemical variation, residue mobility, and thermodynamic stability) performed at Invitae indicates that this missense variant is not expected to disrupt APOB protein function. This variant has not been reported in the literature in individuals affected with APOB-related conditions. This variant is present in population databases (no rsID available, gnomAD 0.007%). This sequence change replaces threonine, which is neutral and polar, with lysine, which is basic and polar, at codon 2866 of the APOB protein (p.Thr2866Lys).

NM_000384.3(APOB):c.8597C>A (p.Thr2866Lys)

Gene: APOB (apolipoprotein B; minus strand). Cytogenetic location: 2p24.1.
Variant type: single nucleotide variant.
Coding change: c.8597C>A on transcript NM_000384.3 (MANE Select); coding-DNA position 8597, C replaced by A.
Protein change: p.Thr2866Lys; replaces threonine 2866 with lysine.
Molecular consequence: missense variant.
Genome position (GRCh38, 1-based): chr2:21,008,271, G>T on the plus strand (C>A on the coding strand, the complement: APOB is on the minus strand). VCF-style: chr2-21008271-G-T. GRCh37 (hg19) VCF-style: chr2-21231143-G-T.
Other names: short protein forms T2866K.
Identifiers: ClinVar variation 2931803 (VCV002931803.2), dbSNP rs1208093663, ClinGen allele CA345993781.